The following is an entry in ClinVar:

ClinVar aggregate classification (germline): Conflicting classifications of pathogenicity. Review status: criteria provided, conflicting classifications (1 of 4 stars). 5 submissions from 5 submitters: Uncertain significance (4); Likely benign (1). Last evaluated 2026-01-13.

Conditions:
Hereditary cancer-predisposing syndrome. Also called: Neoplastic Syndromes, Hereditary; Hereditary Cancer Syndrome; Tumor predisposition; Hereditary neoplastic syndrome. Identifiers: Orphanet 140162, MedGen C0027672, MeSH D009386, MONDO:0015356.
Familial adenomatous polyposis 3. Also called: NTHL1-associated polyposis; NTHL1-related attenuated familial adenomatous polyposis; NTHL1-Related Adenomatous Polyposis and Colorectal Cancer; NTHL1 Tumor Syndrome. Identifiers: Orphanet 220460, Orphanet 454840, MedGen C4225157, MONDO:0014630, OMIM 616415.

Allele frequency attached by ClinVar (database versions not stated): gnomAD 0.00001; TOPMed 0.00001; 1000 Genomes Project 30x 0.00016; 1000 Genomes Project 0.00020; ExAC 0.00026.
gnomAD v4.1: 45 of 1,594,040 alleles (0.0028%); highest among the groups gnomAD compares: South Asian, 0.048%; 1 homozygote.

Submissions (5):

Labcorp Genetics (formerly Invitae), Labcorp
Classification: Uncertain significance. Last evaluated: 2026-01-13. Review status: criteria provided, single submitter. Criteria: Invitae Variant Classification Sherloc (09022015). Collection method: clinical testing. Allele origin: germline.
Comment: This sequence change replaces serine, which is neutral and polar, with cysteine, which is neutral and slightly polar, at codon 7 of the NTHL1 protein (p.Ser7Cys). This variant is present in population databases (rs552723791, gnomAD 0.07%). This variant has not been reported in the literature in individuals affected with NTHL1-related conditions. ClinVar contains an entry for this variant (Variation ID: 638946). An algorithm developed to predict the effect of missense changes on protein structure and function (PolyPhen-2) suggests that this variant is likely to be tolerated. In summary, the available evidence is currently insufficient to determine the role of this variant in disease. Therefore, it has been classified as a Variant of Uncertain Significance.

Fulgent Genetics
Classification: Uncertain significance for Familial adenomatous polyposis 3. Last evaluated: 2024-01-23. Review status: criteria provided, single submitter. Criteria: ACMG Guidelines, 2015. Collection method: clinical testing. Allele origin: germline.

Ambry Genetics
Classification: Likely benign for Hereditary cancer-predisposing syndrome. Last evaluated: 2023-01-04. Review status: criteria provided, single submitter. Criteria: Ambry Variant Classification Scheme 2023. Collection method: clinical testing. Allele origin: germline.

GeneDx
Classification: Uncertain significance. Last evaluated: 2022-08-24. Review status: criteria provided, single submitter. Criteria: GeneDx Variant Classification Process June 2021. Collection method: clinical testing. Allele origin: germline. Affected: yes.
Comment: In silico analysis supports that this missense variant does not alter protein structure/function; Has not been previously published as pathogenic or benign to our knowledge

Sema4
Classification: Uncertain significance for Hereditary cancer-predisposing syndrome. Last evaluated: 2021-05-27. Review status: criteria provided, single submitter. Criteria: Sema4 Curation Guidelines. Collection method: curation. Allele origin: germline.
Comment: The NTHL1 c.20C>G (p.S7C) variant has not been reported in the literature to our knowledge. It was observed in 21/28504 chromosomes of the South Asian subpopulation, with no homozygotes, in the large and broad cohorts of the Genome Aggregation Database (PMID: 32461654). The variant has been reported in ClinVar (Variation ID 638946). In silico tools suggest the impact of the variant on protein function is benign, though these predictions have not been confirmed by functional studies. The evidence is insufficient to meet ACMG/AMP criteria for classifying the variant as benign or pathogenic. Thus, the clinical significance of this variant is currently uncertain.

NM_002528.7(NTHL1):c.-5C>G

Gene: NTHL1 (nth like DNA glycosylase 1; minus strand). Cytogenetic location: 16p13.3.
Variant type: single nucleotide variant.
Coding change: c.-5C>G on transcript NM_002528.7 (MANE Select); 5 bases upstream of the start codon, C replaced by G.
Molecular consequence: 5 prime UTR variant.
Genome position (GRCh38, 1-based): chr16:2,047,828, G>C on the plus strand (C>G on the coding strand, the complement: NTHL1 is on the minus strand). VCF-style: chr16-2047828-G-C. GRCh37 (hg19) VCF-style: chr16-2097829-G-C.
Other names: c.-5C>G (NM_001318193.2, LRG_1366t1); c.-183C>G (NM_001318194.2).
Identifiers: ClinVar variation 638946 (VCV000638946.14), dbSNP rs552723791, ClinGen allele CA027634.